The following is an entry in ClinVar:

NM_001009944.3(PKD1):c.9950C>T (p.Pro3317Leu)

Gene: PKD1 (polycystin 1, transient receptor potential channel interacting; minus strand). Cytogenetic location: 16p13.3.
Variant type: single nucleotide variant.
Coding change: c.9950C>T on transcript NM_001009944.3 (MANE Select); coding-DNA position 9950, C replaced by T.
Protein change: p.Pro3317Leu; replaces proline 3317 with leucine.
Molecular consequence: missense variant.
Genome position (GRCh38, 1-based): chr16:2,099,744, G>A on the plus strand (C>T on the coding strand, the complement: PKD1 is on the minus strand). VCF-style: chr16-2099744-G-A. GRCh37 (hg19) VCF-style: chr16-2149745-G-A.
Other names: c.9950C>T, p.Pro3317Leu (NM_000296.4); short protein forms P3317L.
Identifiers: ClinVar variation 3306809 (VCV003306809.3).

ClinVar aggregate classification (germline): Uncertain significance. Review status: criteria provided, multiple submitters, no conflicts (2 of 4 stars). 3 submissions from 3 submitters: Uncertain significance (3). Last evaluated 2025-09-24.

Conditions:
PKD1-related disorder. Also called: PKD1-related condition.
Inborn genetic diseases. Identifiers: MedGen C0950123, MeSH D030342.

Submissions (3):

PreventionGenetics, part of Exact Sciences
Classification: Uncertain significance for PKD1-related condition. Last evaluated: 2025-09-24. Review status: criteria provided, single submitter. Criteria: ACMG Guidelines, 2015. Collection method: clinical testing. Allele origin: germline.
Comment: The PKD1 c.9950C>T variant is predicted to result in the amino acid substitution p.Pro3317Leu. To our knowledge, this variant has not been reported in the literature. This variant is reported in 0.019% of alleles in individuals of East Asian descent in gnomAD. Although we suspect that this variant may be benign, at this time, the clinical significance of this variant is uncertain due to the absence of conclusive functional and genetic evidence.

Ambry Genetics
Classification: Uncertain significance for Inborn genetic diseases. Last evaluated: 2024-03-25. Review status: criteria provided, single submitter. Criteria: Ambry Variant Classification Scheme 2023. Collection method: clinical testing. Allele origin: germline.

GeneDx
Classification: Uncertain significance. Last evaluated: 2023-11-28. Review status: criteria provided, single submitter. Criteria: GeneDx Variant Classification Process June 2021. Collection method: clinical testing. Allele origin: germline. Affected: yes.
Comment: In silico analysis supports that this missense variant has a deleterious effect on protein structure/function; Has not been previously published as pathogenic or benign to our knowledge